The following is an entry in ClinVar:

ClinVar aggregate classification (germline): Likely benign (1 of 4 stars; one submission).

Allele frequency attached by ClinVar (database versions not stated): gnomAD exomes 0.00127; gnomAD 0.01332 and 0.01441; TOPMed 0.01518; 1000 Genomes Project 0.01577; 1000 Genomes Project 30x 0.01796.
gnomAD v4.1: 3,491 of 1,254,124 alleles (0.28%); highest among the groups gnomAD compares: African/African-American, 4.7%; 78 homozygotes.

Submission:

GeneDx
Classification: Likely benign. Last evaluated: 2018-06-19. Review status: criteria provided, single submitter. Criteria: GeneDx Variant Classification (06012015). Collection method: clinical testing. Allele origin: germline. Affected: yes.
Comment: This variant is considered likely benign or benign based on one or more of the following criteria: it is a conservative change, it occurs at a poorly conserved position in the protein, it is predicted to be benign by multiple in silico algorithms, and/or has population frequency not consistent with disease.

NM_001083962.2(TCF4):c.*5-62A>G

Gene: TCF4 (transcription factor 4; minus strand). Cytogenetic location: 18q21.2.
Variant type: single nucleotide variant.
Coding change: c.*5-62A>G on transcript NM_001083962.2 (MANE Select); 62 bases into the intron before 5 bases downstream of the stop codon, A replaced by G.
Molecular consequence: intron variant.
Genome position (GRCh38, 1-based): chr18:55,228,092, T>C on the plus strand (A>G on the coding strand, the complement: TCF4 is on the minus strand). VCF-style: chr18-55228092-T-C. GRCh37 (hg19) VCF-style: chr18-52895323-T-C.
Other names: c.*5-62A>G (NM_001243226.3, NM_001369584.1, NM_001369576.1 and 42 more transcripts).
Identifiers: ClinVar variation 673215 (VCV000673215.1), dbSNP rs115906079, ClinGen allele CA300792963.